The following is an entry in ClinVar:

ClinVar aggregate classification (germline): Uncertain significance (1 of 4 stars; one submission).

Conditions:
Fructose-biphosphatase deficiency (FBP1D). Also called: Fructose-1,6-Diphosphatase Deficiency; Fructose 1,6 Bisphosphatase Deficiency; Fructose-1,6-Bisphosphatase 1 Deficiency. Identifiers: Orphanet 348, MedGen C0016756, MONDO:0009251, OMIM 229700.

Submission:

Labcorp Genetics (formerly Invitae), Labcorp
Classification: Uncertain significance for Fructose-biphosphatase deficiency. Last evaluated: 2021-05-26. Review status: criteria provided, single submitter. Criteria: Invitae Variant Classification Sherloc (09022015). Collection method: clinical testing. Allele origin: germline.
Comment: A copy number gain of the genomic region encompassing the full coding sequence of the FBP1 gene has been identified. The boundaries of this event are unknown as they extend beyond the assayed region for this gene and therefore may encompass additional genes. As the precise location of this event is unknown, it may be in tandem or it may be located elsewhere in the genome. This variant has not been reported in the literature in individuals with FBP1-related conditions. Experimental studies and prediction algorithms are not available or were not evaluated, and the functional significance of this variant is currently unknown. In summary, the available evidence is currently insufficient to determine the role of this variant in disease. Therefore, it has been classified as a Variant of Uncertain Significance.

NC_000009.11:g.(?_97365663)_(97401592_?)dup

Gene: FBP1 (fructose-bisphosphatase 1; minus strand). Cytogenetic location: 9q22.32.
Variant type: Duplication.
Identifiers: ClinVar variation 1373050 (VCV001373050.3).